The following is an entry in ClinVar:

ClinVar aggregate classification (germline): Benign (1 of 4 stars; one submission).

Conditions:
Familial cancer of breast. Also called: Hereditary breast cancer; hereditary breast carcinoma; BREAST CANCER, FAMILIAL. Identifiers: Orphanet 227535, MedGen C0346153, MONDO:0016419, OMIM 114480. Disease mechanism: loss of function.

Submission:

Myriad Genetics, Inc.
Classification: Benign for Familial cancer of breast. Last evaluated: 2025-01-22. Review status: criteria provided, single submitter. Criteria: Myriad Autosomal Dominant, Autosomal Recessive and X-Linked Classification Criteria (2023). Collection method: clinical testing. Allele origin: unknown.
Comment: This variant is considered benign. This variant is a silent/synonymous amino acid change and it is not expected to impact splicing.

NM_024675.4(PALB2):c.3297_3300delinsAACG (p.Thr1099_Thr1100=)

Gene: PALB2 (partner and localizer of BRCA2; minus strand). Cytogenetic location: 16p12.2.
Variant type: Indel.
Coding change: c.3297_3300delinsAACG on transcript NM_024675.4 (MANE Select); coding-DNA positions 3297 to 3300, GACT replaced by AACG.
Protein change: p.Thr1099_Thr1100=.
Molecular consequence: synonymous variant. On other transcripts: intron variant (8).
Genome position (GRCh38, 1-based): chr16:23,607,914-23,607,917, AGTC replaced by CGTT on the plus strand (GACT replaced by AACG on the coding strand, the reverse complement: PALB2 is on the minus strand). VCF-style: chr16-23607914-AGTC-CGTT. GRCh37 (hg19) VCF-style: chr16-23619235-AGTC-CGTT.
Other names: c.3237_3240delinsAACG, p.Thr1079_Thr1080= (NM_001407296.1); c.3225_3228delinsAACG, p.Thr1075_Thr1076= (NM_001407297.1); c.3135_3138delinsAACG, p.Thr1045_Thr1046= (NM_001407298.1); c.3018_3021delinsAACG, p.Thr1006_Thr1007= (NM_001407300.1); c.2412_2415delinsAACG, p.Thr804_Thr805= (NM_001407304.1, NM_001407305.1, NM_001407306.1); c.2250_2253delinsAACG, p.Thr750_Thr751= (NM_001407307.1); c.1509_1512delinsAACG, p.Thr503_Thr504= (NM_001407312.1); c.831_834delinsAACG, p.Thr277_Thr278= (NM_001407314.1); and 6 more.
Identifiers: ClinVar variation 3903806 (VCV003903806.1).